The following is an entry in ClinVar:

ClinVar aggregate classification (germline): Likely benign (1 of 4 stars; one submission).

Allele frequency attached by ClinVar (database versions not stated): gnomAD exomes below 0.00001 and 0.00001; ExAC 0.00001.
gnomAD v4.1: 14 of 1,607,958 alleles (0.00087%); highest among the groups gnomAD compares: Non-Finnish European, 0.0012%; no homozygotes.

Submission:

GeneDx
Classification: Likely benign. Last evaluated: 2017-10-06. Review status: criteria provided, single submitter. Criteria: GeneDx Variant Classification (06012015). Collection method: clinical testing. Allele origin: germline. Affected: yes.
Comment: This variant is considered likely benign or benign based on one or more of the following criteria: it is a conservative change, it occurs at a poorly conserved position in the protein, it is predicted to be benign by multiple in silico algorithms, and/or has population frequency not consistent with disease.

NM_058195.4(CDKN2A):c.-46G>A

Gene: CDKN2A (cyclin dependent kinase inhibitor 2A; minus strand). Cytogenetic location: 9p21.3.
Variant type: single nucleotide variant.
Coding change: c.-46G>A on transcript NM_058195.4 (MANE Plus Clinical); 46 bases upstream of the start codon, G replaced by A.
Molecular consequence: 5 prime UTR variant. On other transcripts: intron variant (1).
Genome position (GRCh38, 1-based): chr9:21,994,377, C>T on the plus strand (G>A on the coding strand, the complement: CDKN2A is on the minus strand). VCF-style: chr9-21994377-C-T. GRCh37 (hg19) VCF-style: chr9-21994376-C-T.
Other names: c.-4+444G>A (NM_001363763.2).
Identifiers: ClinVar variation 383836 (VCV000383836.3), dbSNP rs779168896, ClinGen allele CA5012412.